The following is an entry in ClinVar:

ClinVar aggregate classification (germline): Uncertain significance (1 of 4 stars; one submission).

gnomAD v4.1: 3 of 1,609,434 alleles (0.00019%); no homozygotes.

Submission:

Labcorp Genetics (formerly Invitae), Labcorp
Classification: Uncertain significance. Last evaluated: 2025-06-25. Review status: criteria provided, single submitter. Criteria: Invitae Variant Classification Sherloc (09022015). Collection method: clinical testing. Allele origin: germline.
Comment: This sequence change replaces tryptophan, which is neutral and slightly polar, with arginine, which is basic and polar, at codon 140 of the PRDM13 protein (p.Trp140Arg). This variant is present in population databases (no rsID available, gnomAD 0.0009%). This variant has not been reported in the literature in individuals affected with PRDM13-related conditions. ClinVar contains an entry for this variant (Variation ID: 2968317). An algorithm developed to predict the effect of missense changes on protein structure and function (PolyPhen-2) suggests that this variant is likely to be disruptive. In summary, the available evidence is currently insufficient to determine the role of this variant in disease. Therefore, it has been classified as a Variant of Uncertain Significance.

NM_021620.4(PRDM13):c.418T>C (p.Trp140Arg)

Gene: PRDM13 (PR/SET domain 13; plus strand). Cytogenetic location: 6q16.2.
Variant type: single nucleotide variant.
Coding change: c.418T>C on transcript NM_021620.4 (MANE Select); coding-DNA position 418, T replaced by C.
Protein change: p.Trp140Arg; replaces tryptophan 140 with arginine.
Molecular consequence: missense variant.
Genome position (GRCh38, 1-based): chr6:99,613,053, T>C. VCF-style: chr6-99613053-T-C. GRCh37 (hg19) VCF-style: chr6-100060929-T-C.
Other names: short protein forms W140R.
Identifiers: ClinVar variation 2968317 (VCV002968317.3), dbSNP rs1393291914, ClinGen allele CA365115026.